The following is an entry in ClinVar:

NM_001079802.2(FKTN):c.1300T>C (p.Trp434Arg)

Gene: FKTN (fukutin; plus strand). Cytogenetic location: 9q31.2.
Variant type: single nucleotide variant.
Coding change: c.1300T>C on transcript NM_001079802.2 (MANE Select); coding-DNA position 1300, T replaced by C.
Protein change: p.Trp434Arg; replaces tryptophan 434 with arginine.
Molecular consequence: missense variant. On other transcripts: 3 prime UTR variant (1), non-coding transcript variant (2), intron variant (1).
Genome position (GRCh38, 1-based): chr9:105,635,178, T>C. VCF-style: chr9-105635178-T-C. GRCh37 (hg19) VCF-style: chr9-108397459-T-C.
Other names: c.1300T>C, p.Trp434Arg (NM_001351496.2, NM_006731.2); c.1231T>C, p.Trp411Arg (NM_001351497.2); c.*92T>C (NM_001351498.2); c.904T>C, p.Trp302Arg (NM_001351499.2, NM_001351500.2, NM_001351501.2 and 1 more transcripts); c.1270+30T>C (NM_001198963.2); short protein forms W302R, W411R, W434R.
Identifiers: ClinVar variation 1697043 (VCV001697043.2), dbSNP rs570224071, ClinGen allele CA197462039.

ClinVar aggregate classification (germline): Uncertain significance (1 of 4 stars; one submission).

Submission:

GeneDx
Classification: Uncertain significance. Last evaluated: 2022-01-12. Review status: criteria provided, single submitter. Criteria: GeneDx Variant Classification Process June 2021. Collection method: clinical testing. Allele origin: germline. Affected: yes.
Comment: Not observed at significant frequency in large population cohorts (gnomAD); In silico analysis supports that this missense variant has a deleterious effect on protein structure/function; Has not been previously published as pathogenic or benign to our knowledge